The following is an entry in ClinVar:

NM_001386814.1(AIFM3):c.951C>T (p.Ile317=)

Gene: AIFM3 (AIF family member 3; plus strand). Cytogenetic location: 22q11.21.
Variant type: single nucleotide variant.
Coding change: c.951C>T on transcript NM_001386814.1 (MANE Select); coding-DNA position 951, C replaced by T.
Protein change: p.Ile317=; no amino-acid change (isoleucine 317 retained).
Molecular consequence: synonymous variant. On other transcripts: non-coding transcript variant (1).
Genome position (GRCh38, 1-based): chr22:20,976,459, C>T. VCF-style: chr22-20976459-C-T. GRCh37 (hg19) VCF-style: chr22-21330748-C-T.
Other names: c.951C>T, p.Ile317= (NM_001018060.3, NM_144704.3); c.969C>T, p.Ile323= (NM_001146288.2).
Identifiers: ClinVar variation 2652925 (VCV002652925.24), dbSNP rs764505179, ClinGen allele CA322310191.

ClinVar aggregate classification (germline): Likely benign (1 of 4 stars; one submission).

Allele frequency attached by ClinVar (database versions not stated): TOPMed 0.00002; gnomAD 0.00003; gnomAD exomes 0.00004.
gnomAD v4.1: 61 of 1,613,970 alleles (0.0038%); highest among the groups gnomAD compares: Non-Finnish European, 0.0049%; no homozygotes.

Submission:

CeGaT Center for Human Genetics Tuebingen
Classification: Likely benign. Last evaluated: 2022-05-01. Review status: criteria provided, single submitter. Criteria: CeGaT Center For Human Genetics Tuebingen Variant Classification Criteria Version 2. Collection method: clinical testing. Allele origin: germline. Affected: yes. Observed: 1 variant allele.
Comment: AIFM3: BP4, BP7